The following is an entry in ClinVar:

ClinVar aggregate classification (germline): Benign. Review status: criteria provided, multiple submitters, no conflicts (2 of 4 stars). 6 submissions from 6 submitters: Benign (6). Last evaluated 2026-02-04.

Conditions:
Congenital microvillous atrophy (DIAR2). Also called: DAVIDSON DISEASE; MICROVILLUS ATROPHY, CONGENITAL; Microvillus inclusion disease; Diarrhea 2 with microvillus atrophy, with or without cholestasis; CONGENITAL FAMILIAL PROTRACTED DIARRHEA WITH ENTEROCYTE BRUSH-BORDER ABNORMALITIES. Identifiers: Orphanet 2290, MedGen C0341306, MONDO:0009635, OMIM 251850.

Allele frequency attached by ClinVar (database versions not stated): ESP Exome Variant Server 0.04902; TOPMed 0.08742; ExAC 0.11025; gnomAD exomes 0.12248; 1000 Genomes Project 30x 0.14257; 1000 Genomes Project 0.14377.
gnomAD v4.1: 117,905 of 1,613,966 alleles (7.3%); highest among the groups gnomAD compares: East Asian, 35%; 9,304 homozygotes.

Submissions (6):

Labcorp Genetics (formerly Invitae), Labcorp
Classification: Benign. Last evaluated: 2026-02-04. Review status: criteria provided, single submitter. Criteria: Invitae Variant Classification Sherloc (09022015). Collection method: clinical testing. Allele origin: germline.

Mayo Clinic Laboratories, Mayo Clinic
Classification: Benign. Last evaluated: 2022-09-06. Review status: criteria provided, single submitter. Criteria: ACMG Guidelines, 2015. Collection method: clinical testing. Allele origin: germline. Observed: 12 variant alleles.

GeneDx
Classification: Benign. Last evaluated: 2021-06-09. Review status: criteria provided, single submitter. Criteria: GeneDx Variant Classification Process June 2021. Collection method: clinical testing. Allele origin: germline. Affected: yes.

Illumina Laboratory Services, Illumina
Classification: Benign for Congenital microvillous atrophy. Last evaluated: 2018-01-12. Review status: criteria provided, single submitter. Criteria: ICSL Variant Classification Criteria 13 December 2019. Collection method: clinical testing. Allele origin: germline.
Comment: This variant was observed in the ICSL laboratory as part of a predisposition screen in an ostensibly healthy population. It had not been previously curated by ICSL or reported in the Human Gene Mutation Database (HGMD: prior to June 1st, 2018), and was therefore a candidate for classification through an automated scoring system. Utilizing variant allele frequency, disease prevalence and penetrance estimates, and inheritance mode, an automated score was calculated to assess if this variant is too frequent to cause the disease. Based on the score and internal cut-off values, a variant classified as benign is not then subjected to further curation. The score for this variant resulted in a classification of benign for this disease.

Laboratory for Molecular Medicine, Mass General Brigham Personalized Medicine
Classification: Benign. Last evaluated: 2016-03-28. Review status: criteria provided, single submitter. Criteria: LMM Criteria. Collection method: clinical testing. Allele origin: germline.
Comment: Variant identified in a genome or exome case(s) and assessed due to predicted null impact of the variant or pathogenic assertions in the literature or databases. Disclaimer: This variant has not undergone full assessment. The following are preliminary notes: MAF

Breakthrough Genomics
Classification: Benign. Review status: criteria provided, single submitter. Criteria: ACMG Guidelines, 2015. Collection method: not provided. Allele origin: germline. Inheritance: Autosomal recessive inheritance. Affected: yes.

NM_001080467.3(MYO5B):c.4464G>A (p.Leu1488=)

Genes: MYO5B (myosin VB; minus strand), SNHG22 (small nucleolar RNA host gene 22; plus strand). Cytogenetic location: 18q21.1.
Variant type: single nucleotide variant.
Coding change: c.4464G>A on transcript NM_001080467.3 (MANE Select); coding-DNA position 4464, G replaced by A.
Protein change: p.Leu1488=; no amino-acid change (leucine 1488 retained).
Molecular consequence: synonymous variant.
Genome position (GRCh38, 1-based): chr18:49,843,388, C>T on the plus strand (G>A on the coding strand, the complement: MYO5B is on the minus strand). VCF-style: chr18-49843388-C-T. GRCh37 (hg19) VCF-style: chr18-47369758-C-T.
Other names: p.Leu1488=.
Identifiers: ClinVar variation 327010 (VCV000327010.19), dbSNP rs2276170, ClinGen allele CA8960343.